The following is an entry in ClinVar:

NM_019842.4(KCNQ5):c.859G>A (p.Val287Met)

Gene: KCNQ5 (potassium voltage-gated channel subfamily Q member 5; plus strand). Cytogenetic location: 6q13.
Variant type: single nucleotide variant.
Coding change: c.859G>A on transcript NM_019842.4 (MANE Select); coding-DNA position 859, G replaced by A.
Protein change: p.Val287Met; replaces valine 287 with methionine.
Molecular consequence: missense variant.
Genome position (GRCh38, 1-based): chr6:73,077,828, G>A. VCF-style: chr6-73077828-G-A. GRCh37 (hg19) VCF-style: chr6-73787551-G-A.
Other names: c.859G>A, p.Val287Met (NM_001160130.2, NM_001160132.2, NM_001160133.2 and 1 more transcripts); short protein forms V287M.
Identifiers: ClinVar variation 4090711 (VCV004090711.2).

ClinVar aggregate classification (germline): Uncertain significance. Review status: criteria provided, multiple submitters, no conflicts (2 of 4 stars). 2 submissions from 2 submitters: Uncertain significance (2). Last evaluated 2025-07-31.

Conditions:
Inborn genetic diseases. Identifiers: MedGen C0950123, MeSH D030342.

Submissions (2):

Ambry Genetics
Classification: Uncertain significance for Inborn genetic diseases. Last evaluated: 2025-07-31. Review status: criteria provided, single submitter. Criteria: Ambry Variant Classification Scheme 2023. Collection method: clinical testing. Allele origin: germline.

Labcorp Genetics (formerly Invitae), Labcorp
Classification: Uncertain significance. Last evaluated: 2025-03-20. Review status: criteria provided, single submitter. Criteria: Invitae Variant Classification Sherloc (09022015). Collection method: clinical testing. Allele origin: germline.
Comment: This sequence change replaces valine, which is neutral and non-polar, with methionine, which is neutral and non-polar, at codon 287 of the KCNQ5 protein (p.Val287Met). This variant is not present in population databases (gnomAD no frequency). This variant has not been reported in the literature in individuals affected with KCNQ5-related conditions. Invitae Evidence Modeling of protein sequence and biophysical properties (such as structural, functional, and spatial information, amino acid conservation, physicochemical variation, residue mobility, and thermodynamic stability) indicates that this missense variant is not expected to disrupt KCNQ5 protein function with a negative predictive value of 80%. In summary, the available evidence is currently insufficient to determine the role of this variant in disease. Therefore, it has been classified as a Variant of Uncertain Significance.